The following is an entry in ClinVar:

ClinVar aggregate classification (germline): Likely benign (1 of 4 stars; one submission).

Allele frequency attached by ClinVar (database versions not stated): gnomAD exomes below 0.00001; gnomAD 0.00001; TOPMed 0.00001; 1000 Genomes Project 0.00026; 1000 Genomes Project 30x 0.00042.
gnomAD v4.1: 5 of 1,170,695 alleles (0.00043%); highest among the groups gnomAD compares: East Asian, 0.012%; no homozygotes.

Submission:

CeGaT Center for Human Genetics Tuebingen
Classification: Likely benign. Last evaluated: 2023-03-01. Review status: criteria provided, single submitter. Criteria: CeGaT Center For Human Genetics Tuebingen Variant Classification Criteria Version 2. Collection method: clinical testing. Allele origin: germline. Affected: yes. Observed: 1 variant allele.
Comment: ACOT9: BP4

NM_001037171.2(ACOT9):c.730+5A>G

Gene: ACOT9 (acyl-CoA thioesterase 9; minus strand). Cytogenetic location: Xp22.11.
Variant type: single nucleotide variant.
Coding change: c.730+5A>G on transcript NM_001037171.2 (MANE Select); 5 bases into the intron after coding-DNA position 730, A replaced by G.
Molecular consequence: intron variant.
Genome position (GRCh38, 1-based): chrX:23,707,872, T>C on the plus strand (A>G on the coding strand, the complement: ACOT9 is on the minus strand). VCF-style: chrX-23707872-T-C. GRCh37 (hg19) VCF-style: chrX-23725989-T-C.
Other names: c.523+5A>G (NM_001330259.2); c.703+5A>G (NM_001033583.3).
Identifiers: ClinVar variation 2660171 (VCV002660171.24), dbSNP rs777063546, ClinGen allele CA326927206.